The following is an entry in ClinVar:

NM_001195553.2(DCX):c.586C>T (p.Arg196Cys)

Gene: DCX (doublecortin; minus strand). Cytogenetic location: Xq23.
Variant type: single nucleotide variant.
Coding change: c.586C>T on transcript NM_001195553.2 (MANE Select); coding-DNA position 586, C replaced by T.
Protein change: p.Arg196Cys; replaces arginine 196 with cysteine.
Molecular consequence: missense variant.
Genome position (GRCh38, 1-based): chrX:111,401,109, G>A on the plus strand (C>T on the coding strand, the complement: DCX is on the minus strand). VCF-style: chrX-111401109-G-A. GRCh37 (hg19) VCF-style: chrX-110644337-G-A.
Other names: c.829C>T, p.Arg277Cys (NM_000555.3); c.586C>T, p.Arg196Cys (NM_001369370.1, NM_001369371.1, NM_001369372.1 and 5 more transcripts); c.586C>T (NM_178153.2); short protein forms R196C, R277C.
Identifiers: ClinVar variation 158485 (VCV000158485.19), dbSNP rs587783568, ClinGen allele CA172017.

ClinVar aggregate classification (germline): Pathogenic. Review status: criteria provided, multiple submitters, no conflicts (2 of 4 stars). 5 submissions from 5 submitters: Pathogenic (5). Last evaluated 2025-09-08.

Conditions:
Ectopic tissue. Also called: Heterotopia. Identifiers: MedGen C0008519.
Lissencephaly type 1 due to doublecortin gene mutation. Also called: LISSENCEPHALY, X-LINKED, 1; LISSENCEPHALY AND AGENESIS OF CORPUS CALLOSUM. Identifiers: Orphanet 2148, MedGen C4551968, MONDO:0010239, OMIM 300067.

Submissions (5):

Labcorp Genetics (formerly Invitae), Labcorp
Classification: Pathogenic. Last evaluated: 2025-09-08. Review status: criteria provided, single submitter. Criteria: Invitae Variant Classification Sherloc (09022015). Collection method: clinical testing. Allele origin: germline.
Comment: This sequence change replaces arginine, which is basic and polar, with cysteine, which is neutral and slightly polar, at codon 196 of the DCX protein (p.Arg196Cys). This variant is not present in population databases (gnomAD no frequency). This missense change has been observed in individuals with clinical features of X-linked lissencephaly and subcortical band heterotopia (PMID: 18685874). ClinVar contains an entry for this variant (Variation ID: 158485). Invitae Evidence Modeling of protein sequence and biophysical properties (such as structural, functional, and spatial information, amino acid conservation, physicochemical variation, residue mobility, and thermodynamic stability) indicates that this missense variant is expected to disrupt DCX protein function with a positive predictive value of 80%. This variant disrupts the p.Arg196 amino acid residue in DCX. Other variant(s) that disrupt this residue have been determined to be pathogenic (PMID: 11468322, 18685874). This suggests that this residue is clinically significant, and that variants that disrupt this residue are likely to be disease-causing. For these reasons, this variant has been classified as Pathogenic.

GeneDx
Classification: Pathogenic. Last evaluated: 2025-08-07. Review status: criteria provided, single submitter. Criteria: GeneDx Variant Classification Process June 2021. Collection method: clinical testing. Allele origin: germline. Affected: yes.
Comment: Not observed at significant frequency in large population cohorts (gnomAD); In silico analysis supports that this missense variant has a deleterious effect on protein structure/function; This variant is associated with the following publications: (PMID: 23365099, 18685874)

Institute of Human Genetics, University of Leipzig Medical Center
Classification: Pathogenic for Lissencephaly type 1 due to doublecortin gene mutation. Last evaluated: 2025-07-11. Review status: criteria provided, single submitter. Criteria: ACMG Guidelines, 2015. Collection method: clinical testing. Allele origin: maternal. Inheritance: X-linked dominant inheritance. Affected: yes.
Comment: Criteria applied: PM5_STR,PS2_MOD,PS4_MOD,PM2,PP3

Revvity Omics, Revvity
Classification: Pathogenic for Lissencephaly type 1 due to doublecortin gene mutation. Last evaluated: 2019-12-17. Review status: criteria provided, single submitter. Criteria: ACMG Guidelines, 2015. Collection method: clinical testing. Allele origin: germline.

Genetic Services Laboratory, University of Chicago
Classification: Pathogenic for Abnormality of neuronal migration. Last evaluated: 2013-02-08. Review status: criteria provided, single submitter. Criteria: ACMG Guidelines, 2007. Collection method: clinical testing. Allele origin: germline. Inheritance: Autosomal dominant inheritance. Affected: yes.

Literature cited by the submitters: PubMed 18685874 (cited by Labcorp Genetics (formerly Invitae), Labcorp); PubMed 11468322 (cited by Labcorp Genetics (formerly Invitae), Labcorp).